The following is an entry in ClinVar:

NM_032999.4(GTF2I):c.2112G>T (p.Pro704=)

Genes: GTF2I (general transcription factor IIi; plus strand), LOC106029312 (Williams-Beuren syndrome medial block B recombination region; plus strand). Cytogenetic location: 7q11.23.
Variant type: single nucleotide variant.
Coding change: c.2112G>T on transcript NM_032999.4 (MANE Select); coding-DNA position 2112, G replaced by T.
Protein change: p.Pro704=; no amino-acid change (proline 704 retained).
Molecular consequence: synonymous variant.
Genome position (GRCh38, 1-based): chr7:74,748,058, G>T. VCF-style: chr7-74748058-G-T. GRCh37 (hg19) VCF-style: chr7-74162395-G-T.
Other names: c.2046G>T, p.Pro682= (NM_001163636.3); c.1989G>T, p.Pro663= (NM_001518.5); c.2052G>T, p.Pro684= (NM_033000.4); c.2049G>T, p.Pro683= (NM_033001.4).
Identifiers: ClinVar variation 2673107 (VCV002673107.23), dbSNP rs1262774852, ClinGen allele CA455903550.

ClinVar aggregate classification (germline): Likely benign (1 of 4 stars; one submission).

Submission:

CeGaT Center for Human Genetics Tuebingen
Classification: Likely benign. Last evaluated: 2023-11-01. Review status: criteria provided, single submitter. Criteria: CeGaT Center For Human Genetics Tuebingen Variant Classification Criteria Version 2. Collection method: clinical testing. Allele origin: germline. Affected: yes. Observed: 1 variant allele.
Comment: GTF2I: PM2:Supporting, BP4, BP7